The following is an entry in ClinVar:

NM_015030.2(FRYL):c.8646T>C (p.Ala2882=)

Gene: FRYL (FRY like transcription coactivator; minus strand). Cytogenetic location: 4p11.
Variant type: single nucleotide variant.
Coding change: c.8646T>C on transcript NM_015030.2 (MANE Select); coding-DNA position 8646, T replaced by C.
Protein change: p.Ala2882=; no amino-acid change (alanine 2882 retained).
Molecular consequence: synonymous variant.
Genome position (GRCh38, 1-based): chr4:48,500,167, A>G on the plus strand (T>C on the coding strand, the complement: FRYL is on the minus strand). VCF-style: chr4-48500167-A-G. GRCh37 (hg19) VCF-style: chr4-48502184-A-G.
Identifiers: ClinVar variation 3905490 (VCV003905490.10).

ClinVar aggregate classification (germline): Likely benign (1 of 4 stars; one submission).

gnomAD v4.1: 70 of 1,604,956 alleles (0.0044%); highest among the groups gnomAD compares: South Asian, 0.074%; no homozygotes.

Submission:

CeGaT Center for Human Genetics Tuebingen
Classification: Likely benign. Last evaluated: 2025-06-01. Review status: criteria provided, single submitter. Criteria: CeGaT Center For Human Genetics Tuebingen Variant Classification Criteria Version 2. Collection method: clinical testing. Allele origin: germline. Affected: yes. Observed: 1 variant allele.
Comment: FRYL: BP4, BP7